The following is an entry in ClinVar:

NM_014915.3(ANKRD26):c.1321G>A (p.Ala441Thr)

Gene: ANKRD26 (ankyrin repeat domain containing 26; minus strand). Cytogenetic location: 10p12.1.
Variant type: single nucleotide variant.
Coding change: c.1321G>A on transcript NM_014915.3 (MANE Select); coding-DNA position 1321, G replaced by A.
Protein change: p.Ala441Thr; replaces alanine 441 with threonine.
Molecular consequence: missense variant.
Genome position (GRCh38, 1-based): chr10:27,064,030, C>T on the plus strand (G>A on the coding strand, the complement: ANKRD26 is on the minus strand). VCF-style: chr10-27064030-C-T. GRCh37 (hg19) VCF-style: chr10-27352959-C-T.
Other names: c.1321G>A, p.Ala441Thr (NM_001256053.2); short protein forms A441T.
Identifiers: ClinVar variation 3913478 (VCV003913478.1).

ClinVar aggregate classification (germline): Uncertain significance (1 of 4 stars; one submission).

Conditions:
Inborn genetic diseases. Identifiers: MedGen C0950123, MeSH D030342.

Submission:

Ambry Genetics
Classification: Uncertain significance for Inborn genetic diseases. Last evaluated: 2025-03-30. Review status: criteria provided, single submitter. Criteria: Ambry Variant Classification Scheme 2023. Collection method: clinical testing. Allele origin: germline.
Comment: The p.A441T variant (also known as c.1321G>A), located in coding exon 12 of the ANKRD26 gene, results from a G to A substitution at nucleotide position 1321. The alanine at codon 441 is replaced by threonine, an amino acid with similar properties. This amino acid position is conserved. In addition, this alteration is predicted to be tolerated by in silico analysis. Based on the available evidence, the clinical significance of this variant remains unclear.